The following is an entry in ClinVar:

NM_005502.4(ABCA1):c.1196T>C (p.Val399Ala)

Gene: ABCA1 (ATP binding cassette subfamily A member 1; minus strand). Cytogenetic location: 9q31.1.
Variant type: single nucleotide variant.
Coding change: c.1196T>C on transcript NM_005502.4 (MANE Select); coding-DNA position 1196, T replaced by C.
Protein change: p.Val399Ala; replaces valine 399 with alanine.
Molecular consequence: missense variant.
Genome position (GRCh38, 1-based): chr9:104,837,095, A>G on the plus strand (T>C on the coding strand, the complement: ABCA1 is on the minus strand). VCF-style: chr9-104837095-A-G. GRCh37 (hg19) VCF-style: chr9-107599376-A-G.
Other names: short protein forms V399A.
Identifiers: ClinVar variation 364446 (VCV000364446.41), dbSNP rs9282543, ClinGen allele CA5169077.
Genomic context (GRCh38, chr9:104,837,095, plus strand): 5'-AGTTCCTCCCACATGCCTTCCAGATCATGGAACACAGCCAGTTCCTGGAAGGTCTTGTTC[A>G]CCTGGAGTCAGGTGGGGAGCCAGGGACCGCAGAAAAAGGAGGAGAAGCACAGACAATGAG-3'
Protein context (NP_005493.2, residues 389-409): TPATRQVMAE[Val399Ala]NKTFQELAVF

ClinVar aggregate classification (germline): Conflicting classifications of pathogenicity. Review status: criteria provided, conflicting classifications (1 of 4 stars). 13 submissions from 12 submitters: Uncertain significance (2); Benign (3); Likely benign (6). 2 of the submissions do not count toward it. Last evaluated 2026-05-01.

Conditions:
Tangier disease (TGD). Also called: HIGH DENSITY LIPOPROTEIN DEFICIENCY, TANGIER TYPE; HIGH DENSITY LIPOPROTEIN DEFICIENCY, TYPE 1; Cholesterol thesaurismosis. Identifiers: Orphanet 31150, MedGen C0039292, MONDO:0008783, OMIM 205400.
Hypoalphalipoproteinemia, primary, 1. Identifiers: Orphanet 425, MedGen C5231558, MONDO:0011393, OMIM 604091.
Cardiovascular phenotype. Identifiers: MedGen CN230736.

Allele frequency attached by ClinVar (database versions not stated): 1000 Genomes Project 0.00200; 1000 Genomes Project 30x 0.00219; TOPMed 0.00346; ExAC 0.00352; gnomAD 0.00352 and 0.00354; gnomAD exomes 0.00367 and 0.00461; ESP Exome Variant Server 0.00384.

Submissions (13):

CeGaT Center for Human Genetics Tuebingen
Classification: Benign. Last evaluated: 2026-05-01. Review status: criteria provided, single submitter. Criteria: CeGaT Center For Human Genetics Tuebingen Variant Classification Criteria Version 2. Collection method: clinical testing. Allele origin: germline. Affected: yes. Observed: 4 variant alleles.
Comment: ABCA1: BS1, BS2

Labcorp Genetics (formerly Invitae), Labcorp
Classification: Benign. Last evaluated: 2026-01-13. Review status: criteria provided, single submitter. Criteria: Invitae Variant Classification Sherloc (09022015). Collection method: clinical testing. Allele origin: germline.

Molecular Genetics, Royal Melbourne Hospital
Classification: Likely benign for Tangier disease. Last evaluated: 2023-10-06. Review status: criteria provided, single submitter. Criteria: ACMG Guidelines, 2015. Collection method: clinical testing. Allele origin: germline. Inheritance: Autosomal recessive inheritance.

Mayo Clinic Laboratories, Mayo Clinic
Classification: Benign. Last evaluated: 2022-03-14. Review status: criteria provided, single submitter. Criteria: ACMG Guidelines, 2015. Collection method: clinical testing. Allele origin: germline. Observed: 12 variant alleles.
Comment: BS1, BS2

New York Genome Center
Classification: Uncertain significance for Hypoalphalipoproteinemia, primary, 1; Tangier disease. Last evaluated: 2021-10-06. Review status: criteria provided, single submitter. Criteria: NYGC Assertion Criteria 2020. Collection method: clinical testing. Allele origin: germline. Observed: 1 heterozygote.

GeneDx
Classification: Likely benign. Last evaluated: 2020-07-16. Review status: criteria provided, single submitter. Criteria: GeneDx Variant Classification Process June 2021. Collection method: clinical testing. Allele origin: germline. Affected: yes.
Comment: In-silico analysis, which includes splice predictors and evolutionary conservation, is inconclusive as to whether the variant alters gene splicing. In the absence of RNA/functional studies, the actual effect of this sequence change is unknown.; This variant is associated with the following publications: (PMID: 26255038, 10431237, 24497850, 18776170, 24503134, 22995991, 11238261)

Ambry Genetics
Classification: Likely benign for Cardiovascular phenotype. Last evaluated: 2019-04-12. Review status: criteria provided, single submitter. Criteria: Ambry Variant Classification Scheme 2023. Collection method: clinical testing. Allele origin: germline.

Women's Health and Genetics/Laboratory Corporation of America, LabCorp
Classification: Likely benign. Last evaluated: 2018-06-25. Review status: criteria provided, single submitter. Criteria: LabCorp Variant Classification Summary - May 2015. Collection method: clinical testing. Allele origin: germline.
Comment: Variant summary: ABCA1 c.1196T>C (p.Val399Ala) results in a non-conservative amino acid change located in the first extracellular loop (Vaughan_2009) of the encoded protein sequence. Three of five in-silico tools predict a benign effect of the variant on protein function. The variant allele was found at a frequency of 0.0036 in 276532 control chromosomes in the gnomAD database, including 4 homozygotes. The observed variant frequency is approximately 289-folds higher than the estimated maximal expected allele frequency for a pathogenic variant in ABCA1 causing Early Onset Coronary Artery Disease phenotype (1.3e-05), strongly suggesting that the variant is benign. The variant, c.1196T>C has been reported in the literature in individuals affected with Tangier Disease and low HDL-C levels (Abdel-Razek_2018, Bodzioch_1999, Kiss_2007, Sadananda_2015). These report(s) do not provide unequivocal conclusions about association of the variant with Tangier Disease or with Early Onset Coronary Artery Disease. A publication, Vaughan_2009 could have mild implications into ABCA1 function but the association of this with pathophysiology and mechanism of disease is not clearly established. Two ClinVar submissions from clinical diagnostic laboratories (evaluations after 2014) cites the variant with conflicting classifications "VOUS" or "likely benign." In addition, the variant has been indicated to have an association with low HDL-C levels, however, multiple studies, Clee_2001, Saleheen_2007, found no association for the variant. Based on the evidence outlined above, the variant was classified as likely benign.

Eurofins Ntd Llc (ga)
Classification: Uncertain significance. Last evaluated: 2018-04-30. Review status: criteria provided, single submitter. Criteria: EGL ClinVar v180209 classification definitions. Collection method: clinical testing. Allele origin: germline. Observed: 2 variant alleles, 2 heterozygotes.

Illumina Laboratory Services, Illumina
Classification: Likely benign for Tangier disease. Last evaluated: 2017-04-27. Review status: criteria provided, single submitter. Criteria: ICSL Variant Classification Criteria 13 December 2019. Collection method: clinical testing. Allele origin: germline.
Comment: This variant was observed as part of a predisposition screen in an ostensibly healthy population. A literature search was performed for the gene, cDNA change, and amino acid change (where applicable). No publications were found based on this search. Allele frequency data from public databases allowed determination this variant is unlikely to cause disease. Therefore, this variant is classified as likely benign.

Illumina Laboratory Services, Illumina
Classification: Likely benign for Hypoalphalipoproteinemia, primary, 1. Last evaluated: 2017-04-27. Review status: criteria provided, single submitter. Criteria: ICSL Variant Classification Criteria 13 December 2019. Collection method: clinical testing. Allele origin: germline.
Comment: the same text as in the submission from Illumina Laboratory Services, Illumina above.

Clinical Genetics DNA and cytogenetics Diagnostics Lab, Erasmus MC, Erasmus Medical Center
Classification: Benign. Review status: no assertion criteria provided. Collection method: clinical testing. Allele origin: germline. Affected: yes. Study: VKGL Data-share Consensus. Not counted in ClinVar's aggregate classification.

Clinical Genetics, Academic Medical Center
Classification: Benign. Review status: no assertion criteria provided. Collection method: clinical testing. Allele origin: germline. Affected: yes. Study: VKGL Data-share Consensus. Not counted in ClinVar's aggregate classification.

Literature cited by the submitters: PubMed 11238261 (cited by Mayo Clinic Laboratories, Mayo Clinic and Women's Health and Genetics/Laboratory Corporation of America, LabCorp); PubMed 16806540 (cited by Mayo Clinic Laboratories, Mayo Clinic and Women's Health and Genetics/Laboratory Corporation of America, LabCorp); PubMed 17303779 (cited by Mayo Clinic Laboratories, Mayo Clinic and Women's Health and Genetics/Laboratory Corporation of America, LabCorp); PubMed 18776170 (cited by Mayo Clinic Laboratories, Mayo Clinic and Women's Health and Genetics/Laboratory Corporation of America, LabCorp); PubMed 20800056 (cited by Mayo Clinic Laboratories, Mayo Clinic); PubMed 24503134 (cited by Mayo Clinic Laboratories, Mayo Clinic); PubMed 26255038 (cited by Mayo Clinic Laboratories, Mayo Clinic); PubMed 29150341 (cited by Mayo Clinic Laboratories, Mayo Clinic); PubMed 10431237 (cited by Women's Health and Genetics/Laboratory Corporation of America, LabCorp); PubMed 16429166 (cited by Women's Health and Genetics/Laboratory Corporation of America, LabCorp).